The following is an entry in ClinVar:

NM_002473.6(MYH9):c.5765+2dup

Gene: MYH9 (myosin heavy chain 9; minus strand). Cytogenetic location: 22q12.3.
Variant type: Duplication.
Coding change: c.5765+2dup on transcript NM_002473.6 (MANE Select); the canonical splice donor site of the intron after coding-DNA position 5765, one base duplicated (T; older notation c.5765+2dupT).
Molecular consequence: splice donor variant.
Genome position (GRCh38, 1-based): chr22:36,284,091, A duplicated on the plus strand (T on the coding strand, the reverse complement: MYH9 is on the minus strand). VCF-style (leftmost placement, unchanged base first): chr22-36284090-C-CA. GRCh37 (hg19) VCF-style: chr22-36680136-C-CA.
Identifiers: ClinVar variation 3031387 (VCV003031387.2), dbSNP rs762576957, ClinGen allele CA10208941.
Genomic context (GRCh38, chr22:36,284,090, plus strand): 5'-AGGAACAAGCTACCTTTTGAGAGAAGTGCCGAGGCAAAGGGGCGGGTGGGCAGGGCGGCT[C>CA]ACCTGAGCTTGTTCTTTAGGGAGCTGACTTCGCGGTTCATGGCATCGGCCGTCTCAGTGG-3'

ClinVar aggregate classification (germline): Uncertain significance (0 of 4 stars; one submission).

Conditions:
MYH9-related disorder. Identifiers: MedGen C1854520.

Allele frequency attached by ClinVar (database versions not stated): ExAC 0.00001.

Submission:

PreventionGenetics, part of Exact Sciences
Classification: Uncertain significance for MYH9-related condition. Last evaluated: 2023-11-11. Review status: no assertion criteria provided. Collection method: clinical testing. Allele origin: germline.
Comment: The MYH9 c.5765+2dupT variant is predicted to result in an intronic duplication. To our knowledge, this variant has not been reported in the literature. This variant is reported in 0.0054% of alleles in individuals of East Asian descent in gnomAD. Different substitutions impacting the same GT donor site (c.5765+2T>A and c.5765+2T>G) have been reported in individuals with MYH9-related disorder (Saposnik et al. 2014. PubMed ID: 25077172; Family 3, Zaninetti et al. 2019. PubMed ID: 29996171). However, in contrast to those variants, this variant results in the canonical splice donor site remaining intact. Although we suspect that this variant may be pathogenic, at this time, the clinical significance of this variant is uncertain due to the absence of conclusive functional and genetic evidence.